The following is an entry in ClinVar:

ClinVar aggregate classification (germline): Uncertain significance (1 of 4 stars; one submission).

Submission:

GeneDx
Classification: Uncertain significance. Last evaluated: 2022-11-02. Review status: criteria provided, single submitter. Criteria: GeneDx Variant Classification Process June 2021. Collection method: clinical testing. Allele origin: germline. Affected: yes.
Comment: Not observed at significant frequency in large population cohorts (gnomAD); In silico analysis supports that this missense variant has a deleterious effect on protein structure/function; Has not been previously published as pathogenic or benign to our knowledge

NM_031407.7(HUWE1):c.4871C>A (p.Ser1624Tyr)

Gene: HUWE1 (HECT, UBA and WWE domain containing E3 ubiquitin protein ligase 1; minus strand). Cytogenetic location: Xp11.22.
Variant type: single nucleotide variant.
Coding change: c.4871C>A on transcript NM_031407.7 (MANE Select); coding-DNA position 4871, C replaced by A.
Protein change: p.Ser1624Tyr; replaces serine 1624 with tyrosine.
Molecular consequence: missense variant.
Genome position (GRCh38, 1-based): chrX:53,585,142, G>T on the plus strand (C>A on the coding strand, the complement: HUWE1 is on the minus strand). VCF-style: chrX-53585142-G-T. GRCh37 (hg19) VCF-style: chrX-53612102-G-T.
Other names: short protein forms S1624Y.
Identifiers: ClinVar variation 2501316 (VCV002501316.1), dbSNP rs2525625332, ClinGen allele CA413175220.